The following is an entry in ClinVar:

NC_000012.11:g.(29786270_29904598)_(29937693_?)del

Gene: TMTC1 (transmembrane O-mannosyltransferase targeting cadherins 1; minus strand). Cytogenetic location: 12p11.22.
Variant type: Deletion.
Identifiers: ClinVar variation 4887301 (VCV004887301.1).

ClinVar aggregate classification (germline): Uncertain significance (1 of 4 stars; one submission).

Submission:

Women's Health and Genetics/Laboratory Corporation of America, LabCorp
Classification: Uncertain significance. Last evaluated: 2026-06-12. Review status: criteria provided, single submitter. Criteria: LabCorp Variant Classification Summary - May 2015. Collection method: clinical testing. Allele origin: germline.
Comment: Variant summary: The variant involves the deletion of exons 1-5 in the TMTC1 gene. A presumed nomenclature of c.(?_-475)_(614+1_615-1)del has been designated for the purposes of this classification. The exact breakpoint at the 5' end of this variant is unknown, therefore this deletion may extend upstream of the annotated region of this gene. Although the exact breakpoints of this deletion are not known, it is predicted to remove the initiation codon and result in an absence of protein or a truncation of the encoded protein due to translation initiation at a downstream site. Current evidence is not sufficient to establish loss of function as a mechanism for disease. Similar copy number variants were absent in 21694 control chromosomes. The available data on variant occurrences in the general population are insufficient to allow any conclusion about variant significance. To our knowledge, no occurrence of similar copy number variants in individuals affected with TMTC1-related conditions and no experimental evidence demonstrating impact on protein function have been reported. ClinVar contains an entry for a similar copy number variant (Variation ID: 152935). Based on the evidence outlined above, the variant was classified as uncertain significance.